The following is an entry in ClinVar:

NM_000059.4(BRCA2):c.3257_3258del (p.Ile1086fs)

Gene: BRCA2 (BRCA2 DNA repair associated; plus strand). Cytogenetic location: 13q13.1.
Variant type: Microsatellite.
Coding change: c.3257_3258del on transcript NM_000059.4 (MANE Select); coding-DNA positions 3257 to 3258, 2 bases deleted (TA; older notation c.3257_3258delTA).
Protein change: p.Ile1086fs; shifts the reading frame from isoleucine 1086.
Molecular consequence: frameshift variant.
Genome position (GRCh38, 1-based): chr13:32,337,612-32,337,613, TA deleted; deleting any 2 consecutive bases within chr13:32,337,609-32,337,613 gives the same sequence; the c. name uses the placement nearest the transcript's 3' end. VCF-style (leftmost placement, unchanged base first): chr13-32337608-CAT-C. GRCh37 (hg19) VCF-style: chr13-32911745-CAT-C.
Other names: c.3257_3258delTA (NM_000059.3); short protein forms I1086fs.
Identifiers: ClinVar variation 230529 (VCV000230529.12), dbSNP rs876658618, ClinGen allele CA10579568.
Genomic context (GRCh38, chr13:32,337,608, plus strand): 5'-ATTAATACTGTATCTGCACATTTACAGAGTAGTGTAGTTGTTTCTGATTGTAAAAATAGT[CAT>C]ATAACCCCTCAGATGTTATTTTCCAAGCAGGATTTTAATTCAAACCATAATTTAACACCT-3'

ClinVar aggregate classification (germline): Pathogenic. Review status: reviewed by expert panel (3 of 4 stars). 4 submissions from 4 submitters: Pathogenic (1). 3 of the submissions do not count toward it. Last evaluated 2017-12-15.

Conditions:
Hereditary cancer-predisposing syndrome. Also called: Hereditary Cancer Syndrome; Neoplastic Syndromes, Hereditary; Tumor predisposition; Hereditary neoplastic syndrome. Identifiers: Orphanet 140162, MedGen C0027672, MeSH D009386, MONDO:0015356.
Breast-ovarian cancer, familial, susceptibility to, 2 (BROVCA2). Also called: BRCA2 Hereditary Breast and Ovarian Cancer. Identifiers: Orphanet 145, MedGen C2675520, MONDO:0012933, OMIM 612555. Disease mechanism: loss of function.
Hereditary breast ovarian cancer syndrome. Also called: Hereditary breast and/or ovarian cancer syndrome; BRCA1- and BRCA2-Associated Hereditary Breast and Ovarian Cancer; Hereditary breast and ovarian cancer syndrome (HBOC); Hereditary breast and ovarian cancer; Hereditary breast and ovarian cancer syndrome; Breast and ovarian cancer. Identifiers: Orphanet 145, MedGen C0677776, MeSH D061325, MONDO:0003582. Disease mechanism: loss of function.
Familial cancer of breast. Also called: Hereditary breast cancer; hereditary breast carcinoma; BREAST CANCER, FAMILIAL. Identifiers: Orphanet 227535, MedGen C0346153, MONDO:0016419, OMIM 114480. Disease mechanism: loss of function.

Submissions (4):

Evidence-based Network for the Interpretation of Germline Mutant Alleles (ENIGMA)
Classification: Pathogenic for Breast-ovarian cancer, familial, susceptibility to, 2. Last evaluated: 2017-12-15. Review status: reviewed by expert panel. Criteria: ENIGMA BRCA1/2 Classification Criteria (2017-06-29). Collection method: curation. Allele origin: germline. Study: ENIGMA.
Comment: Variant allele predicted to encode a truncated non-functional protein.

Ambry Genetics
Classification: Pathogenic for Hereditary cancer-predisposing syndrome. Last evaluated: 2024-02-23. Review status: criteria provided, single submitter. Criteria: Ambry Variant Classification Scheme 2023. Collection method: clinical testing. Allele origin: germline. Not counted in ClinVar's aggregate classification.
Comment: The c.3257_3258delTA pathogenic mutation, located in coding exon 10 of the BRCA2 gene, results from a deletion of two nucleotides at nucleotide positions 3257 to 3258, causing a translational frameshift with a predicted alternate stop codon (p.I1086Nfs*12). In addition to the clinical data presented in the literature, this alteration is expected to result in loss of function by premature protein truncation or nonsense-mediated mRNA decay. As such, this alteration is interpreted as a disease-causing mutation.

Baylor Genetics
Classification: Pathogenic for Familial cancer of breast. Last evaluated: 2024-02-05. Review status: criteria provided, single submitter. Criteria: ACMG Guidelines, 2015. Collection method: clinical testing. Allele origin: unknown. Not counted in ClinVar's aggregate classification.

Labcorp Genetics (formerly Invitae), Labcorp
Classification: Pathogenic for Hereditary breast ovarian cancer syndrome. Last evaluated: 2023-11-10. Review status: criteria provided, single submitter. Criteria: Invitae Variant Classification Sherloc (09022015). Collection method: clinical testing. Allele origin: germline. Not counted in ClinVar's aggregate classification.
Comment: This sequence change creates a premature translational stop signal (p.Ile1086Asnfs*12) in the BRCA2 gene. It is expected to result in an absent or disrupted protein product. Loss-of-function variants in BRCA2 are known to be pathogenic (PMID: 20104584). This variant is not present in population databases (gnomAD no frequency). This premature translational stop signal has been observed in individual(s) with male breast cancer (PMID: 28008555). ClinVar contains an entry for this variant (Variation ID: 230529). For these reasons, this variant has been classified as Pathogenic.

Literature cited by the submitters: PubMed 28008555 (cited by Ambry Genetics and Labcorp Genetics (formerly Invitae), Labcorp); PubMed 20104584 (cited by Labcorp Genetics (formerly Invitae), Labcorp).